The following is an entry in ClinVar:

NM_152305.3(POGLUT1):c.209G>C (p.Gly70Ala)

Gene: POGLUT1 (protein O-glucosyltransferase 1; plus strand). Cytogenetic location: 3q13.33.
Variant type: single nucleotide variant.
Coding change: c.209G>C on transcript NM_152305.3 (MANE Select); coding-DNA position 209, G replaced by C.
Protein change: p.Gly70Ala; replaces glycine 70 with alanine.
Molecular consequence: missense variant. On other transcripts: non-coding transcript variant (1).
Genome position (GRCh38, 1-based): chr3:119,471,341, G>C. VCF-style: chr3-119471341-G-C. GRCh37 (hg19) VCF-style: chr3-119190188-G-C.
Other names: c.209G>C, p.Gly70Ala (NM_020231.3); short protein forms G70A.
Identifiers: ClinVar variation 2177441 (VCV002177441.4), dbSNP rs2081470312, ClinGen allele CA354036403.

ClinVar aggregate classification (germline): Uncertain significance (1 of 4 stars; one submission).

Submission:

Labcorp Genetics (formerly Invitae), Labcorp
Classification: Uncertain significance. Last evaluated: 2024-10-16. Review status: criteria provided, single submitter. Criteria: Invitae Variant Classification Sherloc (09022015). Collection method: clinical testing. Allele origin: germline.
Comment: This sequence change replaces glycine, which is neutral and non-polar, with alanine, which is neutral and non-polar, at codon 70 of the POGLUT1 protein (p.Gly70Ala). This variant is not present in population databases (gnomAD no frequency). This variant has not been reported in the literature in individuals affected with POGLUT1-related conditions. ClinVar contains an entry for this variant (Variation ID: 2177441). Invitae Evidence Modeling of protein sequence and biophysical properties (such as structural, functional, and spatial information, amino acid conservation, physicochemical variation, residue mobility, and thermodynamic stability) indicates that this missense variant is not expected to disrupt POGLUT1 protein function with a negative predictive value of 80%. In summary, the available evidence is currently insufficient to determine the role of this variant in disease. Therefore, it has been classified as a Variant of Uncertain Significance.